The following is an entry in ClinVar:

NM_000391.4(TPP1):c.535A>G (p.Thr179Ala)

Gene: TPP1 (tripeptidyl peptidase 1; minus strand). Cytogenetic location: 11p15.4.
Variant type: single nucleotide variant.
Coding change: c.535A>G on transcript NM_000391.4 (MANE Select); coding-DNA position 535, A replaced by G.
Protein change: p.Thr179Ala; replaces threonine 179 with alanine.
Molecular consequence: missense variant.
Genome position (GRCh38, 1-based): chr11:6,617,127, T>C on the plus strand (A>G on the coding strand, the complement: TPP1 is on the minus strand). VCF-style: chr11-6617127-T-C. GRCh37 (hg19) VCF-style: chr11-6638358-T-C.
Other names: short protein forms T179A.
Identifiers: ClinVar variation 1428812 (VCV001428812.6), dbSNP rs1488047336, ClinGen allele CA379475611.

ClinVar aggregate classification (germline): Uncertain significance (1 of 4 stars; one submission).

gnomAD v4.1: 2 of 1,614,092 alleles (0.00012%); highest among the groups gnomAD compares: South Asian, 0.0022%; no homozygotes.

Submission:

Labcorp Genetics (formerly Invitae), Labcorp
Classification: Uncertain significance. Last evaluated: 2023-07-10. Review status: criteria provided, single submitter. Criteria: Invitae Variant Classification Sherloc (09022015). Collection method: clinical testing. Allele origin: germline.
Comment: This sequence change replaces threonine, which is neutral and polar, with alanine, which is neutral and non-polar, at codon 179 of the TPP1 protein (p.Thr179Ala). This variant is not present in population databases (gnomAD no frequency). This variant has not been reported in the literature in individuals affected with TPP1-related conditions. ClinVar contains an entry for this variant (Variation ID: 1428812). Advanced modeling of protein sequence and biophysical properties (such as structural, functional, and spatial information, amino acid conservation, physicochemical variation, residue mobility, and thermodynamic stability) performed at Invitae indicates that this missense variant is not expected to disrupt TPP1 protein function. Algorithms developed to predict the effect of sequence changes on RNA splicing suggest that this variant may create or strengthen a splice site. In summary, the available evidence is currently insufficient to determine the role of this variant in disease. Therefore, it has been classified as a Variant of Uncertain Significance.